The following is an entry in ClinVar:

NM_000395.3(CSF2RB):c.1579G>A (p.Val527Ile)

Gene: CSF2RB (colony stimulating factor 2 receptor subunit beta; plus strand). Cytogenetic location: 22q12.3.
Variant type: single nucleotide variant.
Coding change: c.1579G>A on transcript NM_000395.3 (MANE Select); coding-DNA position 1579, G replaced by A.
Protein change: p.Val527Ile; replaces valine 527 with isoleucine.
Molecular consequence: missense variant.
Genome position (GRCh38, 1-based): chr22:36,937,387, G>A. VCF-style: chr22-36937387-G-A. GRCh37 (hg19) VCF-style: chr22-37333429-G-A.
Other names: c.1597G>A, p.Val533Ile (NM_001410827.1); c.1579G>A (NM_000395.2); short protein forms V533I, V527I.
Identifiers: ClinVar variation 1896934 (VCV001896934.6), dbSNP rs764738075, ClinGen allele CA10213939.

ClinVar aggregate classification (germline): Uncertain significance. Review status: criteria provided, multiple submitters, no conflicts (2 of 4 stars). 2 submissions from 2 submitters: Uncertain significance (2). Last evaluated 2025-05-19.

Conditions:
Inborn genetic diseases. Identifiers: MedGen C0950123, MeSH D030342.

Allele frequency attached by ClinVar (database versions not stated): gnomAD exomes below 0.00001; ExAC 0.00002.
gnomAD v4.1: 7 of 1,613,626 alleles (0.00043%); highest among the groups gnomAD compares: East Asian, 0.0089%; no homozygotes.

Submissions (2):

Ambry Genetics
Classification: Uncertain significance for Inborn genetic diseases. Last evaluated: 2025-05-19. Review status: criteria provided, single submitter. Criteria: Ambry Variant Classification Scheme 2023. Collection method: clinical testing. Allele origin: germline.

Labcorp Genetics (formerly Invitae), Labcorp
Classification: Uncertain significance. Last evaluated: 2023-11-17. Review status: criteria provided, single submitter. Criteria: Invitae Variant Classification Sherloc (09022015). Collection method: clinical testing. Allele origin: germline.
Comment: This sequence change replaces valine, which is neutral and non-polar, with isoleucine, which is neutral and non-polar, at codon 527 of the CSF2RB protein (p.Val527Ile). This variant is present in population databases (rs764738075, gnomAD 0.02%). This variant has not been reported in the literature in individuals affected with CSF2RB-related conditions. ClinVar contains an entry for this variant (Variation ID: 1896934). Advanced modeling of protein sequence and biophysical properties (such as structural, functional, and spatial information, amino acid conservation, physicochemical variation, residue mobility, and thermodynamic stability) performed at Invitae indicates that this missense variant is not expected to disrupt CSF2RB protein function with a negative predictive value of 80%. In summary, the available evidence is currently insufficient to determine the role of this variant in disease. Therefore, it has been classified as a Variant of Uncertain Significance.